The following is an entry in ClinVar:

ClinVar aggregate classification (germline): Likely benign (0 of 4 stars; one submission).

Conditions:
TBX3-related disorder. Also called: TBX3-related condition.

gnomAD v4.1: 8 of 1,568,754 alleles (0.00051%); highest among the groups gnomAD compares: Admixed American, 0.013%; no homozygotes.

Submission:

PreventionGenetics, part of Exact Sciences
Classification: Likely benign for TBX3-related condition. Last evaluated: 2022-10-03. Review status: no assertion criteria provided. Collection method: clinical testing. Allele origin: germline.
Comment: This variant is classified as likely benign based on ACMG/AMP sequence variant interpretation guidelines (Richards et al. 2015 PMID: 25741868, with internal and published modifications).

NM_005996.4(TBX3):c.1549G>C (p.Ala517Pro)

Gene: TBX3 (T-box transcription factor 3; minus strand). Cytogenetic location: 12q24.21.
Variant type: single nucleotide variant.
Coding change: c.1549G>C on transcript NM_005996.4 (MANE Select); coding-DNA position 1549, G replaced by C.
Protein change: p.Ala517Pro; replaces alanine 517 with proline.
Molecular consequence: missense variant.
Genome position (GRCh38, 1-based): chr12:114,674,326, C>G on the plus strand (G>C on the coding strand, the complement: TBX3 is on the minus strand). VCF-style: chr12-114674326-C-G. GRCh37 (hg19) VCF-style: chr12-115112131-C-G.
Other names: c.1609G>C, p.Ala537Pro (NM_016569.4); short protein forms A517P, A537P.
Identifiers: ClinVar variation 3357146 (VCV003357146.1).
Genomic context (GRCh38, chr12:114,674,326, plus strand): 5'-CCAGGCCCGAGACACCGGTGGAGGCCCCAGAAACCGTGGCCAGGAGGGGACCCATGCCAG[C>G]GGCCGCCATGCTGGAGAAGGCGCCCCCCATGGCAAACTGGCTGGGGTGCAGGAAGAGCGG-3'
Protein context (NP_005987.3, residues 507-527): MGGAFSSMAA[Ala517Pro]GMGPLLATVS